The following is an entry in ClinVar:

NM_006591.3(POLD3):c.652G>A (p.Val218Ile)

Gene: POLD3 (DNA polymerase delta 3, accessory subunit; plus strand). Cytogenetic location: 11q13.4.
Variant type: single nucleotide variant.
Coding change: c.652G>A on transcript NM_006591.3 (MANE Select); coding-DNA position 652, G replaced by A.
Protein change: p.Val218Ile; replaces valine 218 with isoleucine.
Molecular consequence: missense variant. On other transcripts: non-coding transcript variant (2).
Genome position (GRCh38, 1-based): chr11:74,618,796, G>A. VCF-style: chr11-74618796-G-A. GRCh37 (hg19) VCF-style: chr11-74329841-G-A.
Other names: c.535G>A, p.Val179Ile (NM_001363597.2); short protein forms V179I, V218I.
Identifiers: ClinVar variation 3052473 (VCV003052473.2), dbSNP rs149924840, ClinGen allele CA6185201.

ClinVar aggregate classification (germline): Benign (0 of 4 stars; one submission).

Conditions:
POLD3-related disorder. Also called: POLD3-related condition.

Allele frequency attached by ClinVar (database versions not stated): gnomAD exomes 0.00020; ExAC 0.00072; ESP Exome Variant Server 0.00162; TOPMed 0.00214; gnomAD 0.00218; 1000 Genomes Project 0.00220; 1000 Genomes Project 30x 0.00250.
gnomAD v4.1: 637 of 1,610,286 alleles (0.04%); highest among the groups gnomAD compares: African/African-American, 0.75%; 4 homozygotes.

Submission:

PreventionGenetics, part of Exact Sciences
Classification: Benign for POLD3-related condition. Last evaluated: 2019-09-05. Review status: no assertion criteria provided. Collection method: clinical testing. Allele origin: germline.
Comment: This variant is classified as benign based on ACMG/AMP sequence variant interpretation guidelines (Richards et al. 2015 PMID: 25741868, with internal and published modifications).